The following is an entry in ClinVar:

ClinVar aggregate classification (germline): Uncertain significance (1 of 4 stars; one submission).

Conditions:
Acrocallosal syndrome (ACLS). Also called: Schinzel syndrome 1; Absence of corpus callosum with unusual facial appearance, mental deficiency, duplication of the halluces and polydactyly; HALLUX DUPLICATION, POSTAXIAL POLYDACTYLY, AND ABSENCE OF CORPUS CALLOSUM. Identifiers: Orphanet 36, MedGen C0796147, MONDO:0008708, OMIM 200990.

Allele frequency attached by ClinVar (database versions not stated): gnomAD 0.00001; gnomAD exomes 0.00001; TOPMed 0.00001; ExAC 0.00002.
gnomAD v4.1: 5 of 1,608,052 alleles (0.00031%); highest among the groups gnomAD compares: Non-Finnish European, 0.00042%; no homozygotes.

Submission:

Labcorp Genetics (formerly Invitae), Labcorp
Classification: Uncertain significance for Acrocallosal syndrome. Last evaluated: 2024-10-15. Review status: criteria provided, single submitter. Criteria: Invitae Variant Classification Sherloc (09022015). Collection method: clinical testing. Allele origin: germline.
Comment: This sequence change replaces valine, which is neutral and non-polar, with leucine, which is neutral and non-polar, at codon 496 of the KIF7 protein (p.Val496Leu). This variant is present in population databases (rs758971206, gnomAD 0.002%). This variant has not been reported in the literature in individuals affected with KIF7-related conditions. ClinVar contains an entry for this variant (Variation ID: 1992274). Invitae Evidence Modeling of protein sequence and biophysical properties (such as structural, functional, and spatial information, amino acid conservation, physicochemical variation, residue mobility, and thermodynamic stability) indicates that this missense variant is not expected to disrupt KIF7 protein function with a negative predictive value of 80%. In summary, the available evidence is currently insufficient to determine the role of this variant in disease. Therefore, it has been classified as a Variant of Uncertain Significance.

NM_198525.3(KIF7):c.1486G>C (p.Val496Leu)

Gene: KIF7 (kinesin family member 7; minus strand). Cytogenetic location: 15q26.1.
Variant type: single nucleotide variant.
Coding change: c.1486G>C on transcript NM_198525.3 (MANE Select); coding-DNA position 1486, G replaced by C.
Protein change: p.Val496Leu; replaces valine 496 with leucine.
Molecular consequence: missense variant.
Genome position (GRCh38, 1-based): chr15:89,647,670, C>G on the plus strand (G>C on the coding strand, the complement: KIF7 is on the minus strand). VCF-style: chr15-89647670-C-G. GRCh37 (hg19) VCF-style: chr15-90190901-C-G.
Other names: short protein forms V496L.
Identifiers: ClinVar variation 1992274 (VCV001992274.4), dbSNP rs758971206, ClinGen allele CA7728555.